The following is an entry in ClinVar:

ClinVar aggregate classification (germline): Uncertain significance (1 of 4 stars; one submission).

Submission:

Labcorp Genetics (formerly Invitae), Labcorp
Classification: Uncertain significance. Last evaluated: 2023-03-24. Review status: criteria provided, single submitter. Criteria: Invitae Variant Classification Sherloc (09022015). Collection method: clinical testing. Allele origin: germline.
Comment: This sequence change replaces serine, which is neutral and polar, with glycine, which is neutral and non-polar, at codon 352 of the CTNNB1 protein (p.Ser352Gly). This variant is not present in population databases (gnomAD no frequency). This variant has not been reported in the literature in individuals affected with CTNNB1-related conditions. Advanced modeling of protein sequence and biophysical properties (such as structural, functional, and spatial information, amino acid conservation, physicochemical variation, residue mobility, and thermodynamic stability) performed at Invitae indicates that this missense variant is expected to disrupt CTNNB1 protein function. In summary, the available evidence is currently insufficient to determine the role of this variant in disease. Therefore, it has been classified as a Variant of Uncertain Significance.

NM_001904.4(CTNNB1):c.1054A>G (p.Ser352Gly)

Gene: CTNNB1 (catenin beta 1; plus strand). Cytogenetic location: 3p22.1.
Variant type: single nucleotide variant.
Coding change: c.1054A>G on transcript NM_001904.4 (MANE Select); coding-DNA position 1054, A replaced by G.
Protein change: p.Ser352Gly; replaces serine 352 with glycine.
Molecular consequence: missense variant.
Genome position (GRCh38, 1-based): chr3:41,227,325, A>G. VCF-style: chr3-41227325-A-G. GRCh37 (hg19) VCF-style: chr3-41268816-A-G.
Other names: c.1054A>G, p.Ser352Gly (NM_001098209.2, NM_001098210.2); c.1033A>G, p.Ser345Gly (NM_001330729.2); short protein forms S352G, S345G.
Identifiers: ClinVar variation 2849183 (VCV002849183.3), dbSNP rs2125628229, ClinGen allele CA352231657.